The following is an entry in ClinVar:

ClinVar aggregate classification (germline): Likely benign. Review status: criteria provided, multiple submitters, no conflicts (2 of 4 stars). 3 submissions from 3 submitters: Likely benign (3). Last evaluated 2025-11-15.

Conditions:
Hereditary cancer-predisposing syndrome. Also called: Hereditary Cancer Syndrome; Hereditary neoplastic syndrome; Neoplastic Syndromes, Hereditary; Tumor predisposition. Identifiers: Orphanet 140162, MedGen C0027672, MeSH D009386, MONDO:0015356.

Submissions (3):

Ambry Genetics
Classification: Likely benign for Hereditary cancer-predisposing syndrome. Last evaluated: 2025-11-15. Review status: criteria provided, single submitter. Criteria: Ambry Variant Classification Scheme 2023. Collection method: clinical testing. Allele origin: germline.

Labcorp Genetics (formerly Invitae), Labcorp
Classification: Likely benign. Last evaluated: 2022-11-11. Review status: criteria provided, single submitter. Criteria: Invitae Variant Classification Sherloc (09022015). Collection method: clinical testing. Allele origin: germline.

GeneDx
Classification: Likely benign. Last evaluated: 2016-09-23. Review status: criteria provided, single submitter. Criteria: GeneDx Variant Classification (06012015). Collection method: clinical testing. Allele origin: germline. Affected: yes.
Comment: This variant is considered likely benign or benign based on one or more of the following criteria: it is a conservative change, it occurs at a poorly conserved position in the protein, it is predicted to be benign by multiple in silico algorithms, and/or has population frequency not consistent with disease.

NM_006231.4(POLE):c.5568C>T (p.Phe1856=)

Gene: POLE (DNA polymerase epsilon, catalytic subunit; minus strand). Cytogenetic location: 12q24.33.
Variant type: single nucleotide variant.
Coding change: c.5568C>T on transcript NM_006231.4 (MANE Select); coding-DNA position 5568, C replaced by T.
Protein change: p.Phe1856=; no amino-acid change (phenylalanine 1856 retained).
Molecular consequence: synonymous variant.
Genome position (GRCh38, 1-based): chr12:132,638,124, G>A on the plus strand (C>T on the coding strand, the complement: POLE is on the minus strand). VCF-style: chr12-132638124-G-A. GRCh37 (hg19) VCF-style: chr12-133214710-G-A.
Identifiers: ClinVar variation 389598 (VCV000389598.5), dbSNP rs1057523481, ClinGen allele CA16606416.
Genomic context (GRCh38, chr12:132,638,124, plus strand): 5'-CTTTGTACAGAGGATGATGCGGTTGAAGTTGGCGTAGATGACTGATGACCCCAGGCGCTT[G>A]AACTCAGCGATGAGCCTGTGGAGCAAGTTGAGAGTCCGTGGTGGAGACGCCACAGTCATG-3'
Protein context (NP_006222.2, residues 1846-1866): KKLFLQLIAE[Phe1856=]KRLGSSVIYA